The following is an entry in ClinVar:

NM_024685.4(BBS10):c.1276A>G (p.Lys426Glu)

Gene: BBS10 (Bardet-Biedl syndrome 10; minus strand). Cytogenetic location: 12q21.2.
Variant type: single nucleotide variant.
Coding change: c.1276A>G on transcript NM_024685.4 (MANE Select); coding-DNA position 1276, A replaced by G.
Protein change: p.Lys426Glu; replaces lysine 426 with glutamic acid.
Molecular consequence: missense variant.
Genome position (GRCh38, 1-based): chr12:76,346,709, T>C on the plus strand (A>G on the coding strand, the complement: BBS10 is on the minus strand). VCF-style: chr12-76346709-T-C. GRCh37 (hg19) VCF-style: chr12-76740489-T-C.
Other names: c.1276A>G, p.Lys426Glu (LRG_1255t1); short protein forms K426E.
Identifiers: ClinVar variation 406220 (VCV000406220.11), dbSNP rs149596527, ClinGen allele CA6694198.

ClinVar aggregate classification (germline): Conflicting classifications of pathogenicity. Review status: criteria provided, conflicting classifications (1 of 4 stars). 6 submissions from 6 submitters: Uncertain significance (3); Likely benign (1). 2 of the submissions do not count toward it. Last evaluated 2025-07-15.

Conditions:
Inborn genetic diseases. Identifiers: MedGen C0950123, MeSH D030342.
BBS10-related disorder. Also called: BBS10-related condition.
Bardet-Biedl syndrome (BBS). Identifiers: Orphanet 110, MedGen C0752166, MONDO:0015229.
Bardet-Biedl syndrome 10 (BBS10). Identifiers: Orphanet 110, MedGen C1859568, MONDO:0014438, OMIM 615987.

Allele frequency attached by ClinVar (database versions not stated): TOPMed 0.00036; ESP Exome Variant Server 0.00038; gnomAD 0.00040 and 0.00042; 1000 Genomes Project 0.00080; 1000 Genomes Project 30x 0.00094; gnomAD exomes 0.00002 and 0.00009; ExAC 0.00016.

Submissions (6):

Ambry Genetics
Classification: Uncertain significance for Inborn genetic diseases. Last evaluated: 2025-07-15. Review status: criteria provided, single submitter. Criteria: Ambry Variant Classification Scheme 2023. Collection method: clinical testing. Allele origin: germline.

Blueprint Genetics
Classification: Likely benign. Last evaluated: 2024-11-01. Review status: criteria provided, single submitter. Criteria: ACMG Guidelines, 2015. Collection method: clinical testing. Allele origin: germline.

Fulgent Genetics
Classification: Uncertain significance for Bardet-Biedl syndrome 10. Last evaluated: 2024-04-20. Review status: criteria provided, single submitter. Criteria: ACMG Guidelines, 2015. Collection method: clinical testing. Allele origin: germline.

Labcorp Genetics (formerly Invitae), Labcorp
Classification: Uncertain significance for Bardet-Biedl syndrome. Last evaluated: 2022-10-24. Review status: criteria provided, single submitter. Criteria: Invitae Variant Classification Sherloc (09022015). Collection method: clinical testing. Allele origin: germline.
Comment: This sequence change replaces lysine, which is basic and polar, with glutamic acid, which is acidic and polar, at codon 426 of the BBS10 protein (p.Lys426Glu). This variant is present in population databases (rs149596527, gnomAD 0.1%). This variant has not been reported in the literature in individuals affected with BBS10-related conditions. ClinVar contains an entry for this variant (Variation ID: 406220). Advanced modeling of protein sequence and biophysical properties (such as structural, functional, and spatial information, amino acid conservation, physicochemical variation, residue mobility, and thermodynamic stability) performed at Invitae indicates that this missense variant is not expected to disrupt BBS10 protein function. In summary, the available evidence is currently insufficient to determine the role of this variant in disease. Therefore, it has been classified as a Variant of Uncertain Significance.

PreventionGenetics, part of Exact Sciences
Classification: Likely benign for BBS10-related condition. Last evaluated: 2020-01-30. Review status: no assertion criteria provided. Collection method: clinical testing. Allele origin: germline. Not counted in ClinVar's aggregate classification.
Comment: This variant is classified as likely benign based on ACMG/AMP sequence variant interpretation guidelines (Richards et al. 2015 PMID: 25741868, with internal and published modifications).

Natera, Inc.
Classification: Uncertain significance for Bardet-Biedl syndrome type 10. Last evaluated: 2019-10-28. Review status: no assertion criteria provided. Collection method: clinical testing. Allele origin: germline. Not counted in ClinVar's aggregate classification.